The following is an entry in ClinVar:

ClinVar aggregate classification (germline): Pathogenic. Review status: criteria provided, multiple submitters, no conflicts (2 of 4 stars). 4 submissions from 4 submitters: Pathogenic (4). Last evaluated 2025-07-14.

Conditions:
Hereditary cancer-predisposing syndrome. Also called: Tumor predisposition; Neoplastic Syndromes, Hereditary; Hereditary Cancer Syndrome; Hereditary neoplastic syndrome. Identifiers: Orphanet 140162, MedGen C0027672, MeSH D009386, MONDO:0015356.
Familial cancer of breast. Also called: BREAST CANCER, FAMILIAL; Hereditary breast cancer; hereditary breast carcinoma. Identifiers: Orphanet 227535, MedGen C0346153, MONDO:0016419, OMIM 114480. Disease mechanism: loss of function.
Ataxia-telangiectasia syndrome (AT). Also called: ATAXIA-TELANGIECTASIA, COMPLEMENTATION GROUP A; ATAXIA-TELANGIECTASIA, FRESNO VARIANT; LOUIS-BAR SYNDROME; Ataxia telangiectasia (A-T); Cerebello-oculocutaneous telangiectasia; Immunodeficiency with ataxia telangiectasia. Identifiers: Orphanet 100, MedGen C0004135, MONDO:0008840, OMIM 208900.

Submissions (4):

Ambry Genetics
Classification: Pathogenic for Hereditary cancer-predisposing syndrome. Last evaluated: 2025-07-14. Review status: criteria provided, single submitter. Criteria: Ambry Variant Classification Scheme 2023. Collection method: clinical testing. Allele origin: germline.
Comment: The c.944delT pathogenic mutation, located in coding exon 7 of the ATM gene, results from a deletion of one nucleotide at nucleotide position 944, causing a translational frameshift with a predicted alternate stop codon (p.L315Yfs*5). This variant is considered to be rare based on population cohorts in the Genome Aggregation Database (gnomAD). This alteration is expected to result in loss of function by premature protein truncation or nonsense-mediated mRNA decay. As such, this alteration is interpreted as a disease-causing mutation.

Myriad Genetics, Inc.
Classification: Pathogenic for Familial cancer of breast. Last evaluated: 2024-01-11. Review status: criteria provided, single submitter. Criteria: Myriad Autosomal Dominant, Autosomal Recessive and X-Linked Classification Criteria (2023). Collection method: clinical testing. Allele origin: unknown.
Comment: This variant is considered pathogenic. This variant creates a frameshift predicted to result in premature protein truncation.

Labcorp Genetics (formerly Invitae), Labcorp
Classification: Pathogenic for Ataxia-telangiectasia syndrome. Last evaluated: 2023-07-07. Review status: criteria provided, single submitter. Criteria: Invitae Variant Classification Sherloc (09022015). Collection method: clinical testing. Allele origin: germline.
Comment: This sequence change creates a premature translational stop signal (p.Leu315Tyrfs*5) in the ATM gene. It is expected to result in an absent or disrupted protein product. Loss-of-function variants in ATM are known to be pathogenic (PMID: 23807571, 25614872). This variant is not present in population databases (gnomAD no frequency). This premature translational stop signal has been observed in individual(s) with pancreatic ductal adenocarcinoma (PMID: 32255556). ClinVar contains an entry for this variant (Variation ID: 628218). For these reasons, this variant has been classified as Pathogenic.

Color Diagnostics, LLC DBA Color Health
Classification: Pathogenic for Hereditary cancer-predisposing syndrome. Last evaluated: 2020-04-20. Review status: criteria provided, single submitter. Criteria: ACMG Guidelines, 2015. Collection method: clinical testing. Allele origin: germline.
Comment: This variant deletes 1 nucleotide in exon 8 of the ATM gene, creating a frameshift and premature translation stop signal. This variant is expected to result in an absent or non-functional protein product. To our knowledge, this variant has not been reported in individuals affected with hereditary cancer in the literature. This variant has not been identified in the general population by the Genome Aggregation Database (gnomAD). Loss of ATM function is a known mechanism of disease. Based on the available evidence, this variant is classified as Pathogenic.

Literature cited by the submitters: PubMed 23807571 (cited by Labcorp Genetics (formerly Invitae), Labcorp); PubMed 25614872 (cited by Labcorp Genetics (formerly Invitae), Labcorp); PubMed 32255556 (cited by Labcorp Genetics (formerly Invitae), Labcorp).

NM_000051.4(ATM):c.944del (p.Leu315fs)

Gene: ATM (ATM serine/threonine kinase; plus strand). Cytogenetic location: 11q22.3.
Variant type: Deletion.
Coding change: c.944del on transcript NM_000051.4 (MANE Select); coding-DNA position 944, one base deleted (T; older notation c.944delT).
Protein change: p.Leu315fs; shifts the reading frame from leucine 315.
Molecular consequence: frameshift variant.
Genome position (GRCh38, 1-based): chr11:108,247,006, T deleted; the last of 2 consecutive T bases (chr11:108,247,005-108,247,006); deleting either gives the same sequence. VCF-style (leftmost placement, unchanged base first): chr11-108247004-CT-C. GRCh37 (hg19) VCF-style: chr11-108117731-CT-C.
Other names: c.944delT (NM_000051.3); c.944del, p.Leu315fs (NM_001351834.2); short protein forms L315fs.
Identifiers: ClinVar variation 628218 (VCV000628218.9), dbSNP rs1565375035, ClinGen allele CA913188367.
Genomic context (GRCh38, chr11:108,247,004, plus strand): 5'-TTTAATTTTTTGGATTACAGGTGCTTATGAATCAACAAAATGGAGAAGTATTTTATACAA[CT>C]TATATGATCTGCTAGTGAATGAGATAAGTCATATAGGAAGTAGAGGAAAGTATTCTTCAG-3'